The following is an entry in ClinVar:

ClinVar aggregate classification (germline): Benign. Review status: criteria provided, multiple submitters, no conflicts (2 of 4 stars). 4 submissions from 4 submitters: Benign (3). 1 of the submissions does not count toward it. Last evaluated 2026-02-02.

Conditions:
Multiple sulfatase deficiency (MSD). Also called: Multiple Sulfatase Deficiency Disease; Sulfatidosis, Juvenile, Austin Type; Mucosulfatidosis. Identifiers: Orphanet 585, MedGen C0268263, MONDO:0010088, OMIM 272200.

Allele frequency attached by ClinVar (database versions not stated): gnomAD exomes 0.00119 and 0.00288; ExAC 0.00484; gnomAD 0.01180 and 0.01279; ESP Exome Variant Server 0.01247; TOPMed 0.01357; 1000 Genomes Project 30x 0.01608; 1000 Genomes Project 0.01637.
gnomAD v4.1: 3,597 of 1,610,654 alleles (0.22%); highest among the groups gnomAD compares: African/African-American, 4.3%; 67 homozygotes.

Submissions (4):

Labcorp Genetics (formerly Invitae), Labcorp
Classification: Benign for Multiple sulfatase deficiency. Last evaluated: 2026-02-02. Review status: criteria provided, single submitter. Criteria: Invitae Variant Classification Sherloc (09022015). Collection method: clinical testing. Allele origin: germline.

Mayo Clinic Laboratories, Mayo Clinic
Classification: Benign. Last evaluated: 2023-07-27. Review status: criteria provided, single submitter. Criteria: ACMG Guidelines, 2015. Collection method: clinical testing. Allele origin: germline. Observed: 16 variant alleles.
Comment: BS1, BS2

Breakthrough Genomics
Classification: Benign. Review status: criteria provided, single submitter. Criteria: ACMG Guidelines, 2015. Collection method: not provided. Allele origin: germline. Inheritance: Autosomal recessive inheritance. Affected: yes.

Natera, Inc.
Classification: Benign for Multiple sulfatase deficiency. Last evaluated: 2020-09-16. Review status: no assertion criteria provided. Collection method: clinical testing. Allele origin: germline. Not counted in ClinVar's aggregate classification.

NM_182760.4(SUMF1):c.59T>G (p.Leu20Arg)

Gene: SUMF1 (sulfatase modifying factor 1; minus strand). Cytogenetic location: 3p26.1.
Variant type: single nucleotide variant.
Coding change: c.59T>G on transcript NM_182760.4 (MANE Select); coding-DNA position 59, T replaced by G.
Protein change: p.Leu20Arg; replaces leucine 20 with arginine.
Molecular consequence: missense variant.
Genome position (GRCh38, 1-based): chr3:4,467,187, A>C on the plus strand (T>G on the coding strand, the complement: SUMF1 is on the minus strand). VCF-style: chr3-4467187-A-C. GRCh37 (hg19) VCF-style: chr3-4508871-A-C.
Other names: p.Leu20Arg; c.59T>G, p.Leu20Arg (NM_001164674.2, NM_001164675.2); short protein forms L20R.
Identifiers: ClinVar variation 772859 (VCV000772859.13), dbSNP rs79985808, ClinGen allele CA2230728.